The following is an entry in ClinVar:

ClinVar aggregate classification (germline): Conflicting classifications of pathogenicity. Review status: criteria provided, conflicting classifications (1 of 4 stars). 3 submissions from 3 submitters: Uncertain significance (1); Likely benign (2). Last evaluated 2025-05-01.

Conditions:
Koolen-de Vries syndrome (KDVS). Identifiers: Orphanet 96169, MedGen C1864871, MONDO:0012496, OMIM 610443.

Allele frequency attached by ClinVar (database versions not stated): ExAC 0.00001; gnomAD 0.00001; gnomAD exomes 0.00001 and 0.00002.

Submissions (3):

CeGaT Center for Human Genetics Tuebingen
Classification: Likely benign. Last evaluated: 2025-05-01. Review status: criteria provided, single submitter. Criteria: CeGaT Center For Human Genetics Tuebingen Variant Classification Criteria Version 2. Collection method: clinical testing. Allele origin: germline. Affected: yes. Observed: 1 variant allele.
Comment: KANSL1: BP4, BS2

Labcorp Genetics (formerly Invitae), Labcorp
Classification: Uncertain significance for Koolen-de Vries syndrome. Last evaluated: 2023-08-10. Review status: criteria provided, single submitter. Criteria: Invitae Variant Classification Sherloc (09022015). Collection method: clinical testing. Allele origin: germline.
Comment: This sequence change replaces arginine, which is basic and polar, with glutamine, which is neutral and polar, at codon 1074 of the KANSL1 protein (p.Arg1074Gln). This variant is present in population databases (rs763541067, gnomAD 0.003%). This missense change has been observed in individual(s) with clinical features of KANSL1-related conditions (PMID: 33004838). ClinVar contains an entry for this variant (Variation ID: 515272). Advanced modeling of protein sequence and biophysical properties (such as structural, functional, and spatial information, amino acid conservation, physicochemical variation, residue mobility, and thermodynamic stability) performed at Invitae indicates that this missense variant is not expected to disrupt KANSL1 protein function. In summary, the available evidence is currently insufficient to determine the role of this variant in disease. Therefore, it has been classified as a Variant of Uncertain Significance.

GeneDx
Classification: Likely benign. Last evaluated: 2018-02-05. Review status: criteria provided, single submitter. Criteria: GeneDx Variant Classification (06012015). Collection method: clinical testing. Allele origin: germline. Affected: yes.
Comment: This variant is considered likely benign or benign based on one or more of the following criteria: it is a conservative change, it occurs at a poorly conserved position in the protein, it is predicted to be benign by multiple in silico algorithms, and/or has population frequency not consistent with disease.

Literature cited by the submitters: PubMed 33004838 (cited by Labcorp Genetics (formerly Invitae), Labcorp).

NM_015443.4(KANSL1):c.3221G>A (p.Arg1074Gln)

Gene: KANSL1 (KAT8 regulatory NSL complex subunit 1). Cytogenetic location: 17q21.31.
Variant type: single nucleotide variant.
Coding change: c.3221G>A on transcript NM_015443.4 (MANE Select); coding-DNA position 3221, G replaced by A.
Protein change: p.Arg1074Gln; replaces arginine 1074 with glutamine.
Molecular consequence: missense variant.
Genome position (GRCh38, 1-based): chr17:46,031,573, C>T on the plus strand (G>A on the coding strand, the complement: KANSL1 is on the minus strand). VCF-style: chr17-46031573-C-T. GRCh37 (hg19) VCF-style: chr17-44108939-C-T.
Other names: c.3218G>A, p.Arg1073Gln (NM_001193465.2); c.3221G>A, p.Arg1074Gln (NM_001193466.2, NM_001379198.1); short protein forms R1074Q, R1073Q.
Identifiers: ClinVar variation 515272 (VCV000515272.19), dbSNP rs763541067, ClinGen allele CA8618346.